The following is an entry in ClinVar:

NM_006393.3(NEBL):c.2405A>G (p.Asp802Gly)

Gene: NEBL (nebulette; minus strand). Cytogenetic location: 10p12.31.
Variant type: single nucleotide variant.
Coding change: c.2405A>G on transcript NM_006393.3 (MANE Select); coding-DNA position 2405, A replaced by G.
Protein change: p.Asp802Gly; replaces aspartic acid 802 with glycine.
Molecular consequence: missense variant.
Genome position (GRCh38, 1-based): chr10:20,812,882, T>C on the plus strand (A>G on the coding strand, the complement: NEBL is on the minus strand). VCF-style: chr10-20812882-T-C. GRCh37 (hg19) VCF-style: chr10-21101811-T-C.
Other names: c.350A>G, p.Asp117Gly (NM_001377325.1); c.308A>G, p.Asp103Gly (NM_001377326.1, NM_001377327.1, NM_001377328.1); c.416A>G, p.Asp139Gly (NM_213569.2, NM_001173484.2, NM_001377322.1); c.368A>G, p.Asp123Gly (NM_001377323.1); c.359A>G, p.Asp120Gly (NM_001377324.1); short protein forms D120G, D139G, D802G, D123G, D103G, D117G.
Identifiers: ClinVar variation 5025463 (VCV005025463.1).

ClinVar aggregate classification (germline): Uncertain significance (1 of 4 stars; one submission).

gnomAD v4.1: 2 of 1,614,030 alleles (0.00012%); no homozygotes.

Submission:

Ambry Genetics
Classification: Uncertain significance. Last evaluated: 2026-07-04. Review status: criteria provided, single submitter. Criteria: Ambry Variant Classification Scheme 2023. Collection method: clinical testing. Allele origin: germline.
Comment: The p.D802G variant (also known as c.2405A>G), located in coding exon 24 of the NEBL gene, results from an A to G substitution at nucleotide position 2405. The aspartic acid at codon 802 is replaced by glycine, an amino acid with similar properties. This amino acid position is conserved. In addition, this alteration is predicted to be tolerated by in silico analysis. Based on the available evidence, the clinical significance of this variant remains unclear.